The following is an entry in ClinVar:

ClinVar aggregate classification (germline): Uncertain significance. Review status: criteria provided, multiple submitters, no conflicts (2 of 4 stars). 2 submissions from 2 submitters: Uncertain significance (2). Last evaluated 2024-01-02.

Allele frequency attached by ClinVar (database versions not stated): gnomAD 0.00004; TOPMed 0.00005.
gnomAD v4.1: 8 of 1,613,494 alleles (0.0005%); highest among the groups gnomAD compares: African/African-American, 0.011%; no homozygotes.

Submissions (2):

Mayo Clinic Laboratories, Mayo Clinic
Classification: Uncertain significance. Last evaluated: 2024-01-02. Review status: criteria provided, single submitter. Criteria: ACMG Guidelines, 2015. Collection method: clinical testing. Allele origin: germline. Observed: 1 variant allele.

GeneDx
Classification: Uncertain significance. Last evaluated: 2022-07-20. Review status: criteria provided, single submitter. Criteria: GeneDx Variant Classification Process June 2021. Collection method: clinical testing. Allele origin: germline. Affected: yes.
Comment: In silico analysis supports that this missense variant does not alter protein structure/function; Has not been previously published as pathogenic or benign to our knowledge

NM_001278716.2(FBXL4):c.880C>T (p.His294Tyr)

Gene: FBXL4 (F-box and leucine rich repeat protein 4; minus strand). Cytogenetic location: 6q16.2.
Variant type: single nucleotide variant.
Coding change: c.880C>T on transcript NM_001278716.2 (MANE Select); coding-DNA position 880, C replaced by T.
Protein change: p.His294Tyr; replaces histidine 294 with tyrosine.
Molecular consequence: missense variant. On other transcripts: non-coding transcript variant (2).
Genome position (GRCh38, 1-based): chr6:98,905,649, G>A on the plus strand (C>T on the coding strand, the complement: FBXL4 is on the minus strand). VCF-style: chr6-98905649-G-A. GRCh37 (hg19) VCF-style: chr6-99353525-G-A.
Other names: p.His294Tyr; c.880C>T, p.His294Tyr (NM_012160.5); c.880C>T (NM_012160.4); short protein forms H294Y.
Identifiers: ClinVar variation 2135998 (VCV002135998.2), dbSNP rs1054028380, ClinGen allele CA16021161.